The following is an entry in ClinVar:

ClinVar aggregate classification (germline): Likely benign (1 of 4 stars; one submission).

Conditions:
PI4KB-related disorder. Also called: PI4KB-related condition.

gnomAD v4.1: 50 of 1,614,096 alleles (0.0031%); highest among the groups gnomAD compares: South Asian, 0.021%; no homozygotes.

Submission:

PreventionGenetics, part of Exact Sciences
Classification: Likely benign for PI4KB-related condition. Last evaluated: 2026-08-24. Review status: criteria provided, single submitter. Criteria: ACMG Guidelines, 2015. Collection method: clinical testing. Allele origin: germline.
Comment: This variant is classified as likely benign based on ACMG/AMP sequence variant interpretation guidelines (Richards et al. 2015 PMID: 25741868, with internal and published modifications).

NM_001369623.2(PI4KB):c.1380G>A (p.Ser460=)

Gene: PI4KB (phosphatidylinositol 4-kinase beta; minus strand). Cytogenetic location: 1q21.3.
Variant type: single nucleotide variant.
Coding change: c.1380G>A on transcript NM_001369623.2 (MANE Select); coding-DNA position 1380, G replaced by A.
Protein change: p.Ser460=; no amino-acid change (serine 460 retained).
Molecular consequence: synonymous variant.
Genome position (GRCh38, 1-based): chr1:151,306,166, C>T on the plus strand (G>A on the coding strand, the complement: PI4KB is on the minus strand). VCF-style: chr1-151306166-C-T. GRCh37 (hg19) VCF-style: chr1-151278642-C-T.
Other names: c.1335G>A, p.Ser445= (NM_001198773.3, NM_001198774.2, NM_001369624.1); c.384G>A, p.Ser128= (NM_001198775.3); c.1380G>A, p.Ser460= (NM_001330721.2, NM_001369626.1, NM_001369629.2); c.1371G>A, p.Ser457= (NM_001369625.1, NM_001369628.1); c.1416G>A, p.Ser472= (NM_002651.4).
Identifiers: ClinVar variation 4990677 (VCV004990677.1).